The following is an entry in ClinVar:

ClinVar aggregate classification (germline): Uncertain significance (1 of 4 stars; one submission).

Conditions:
Elliptocytosis 1 (EL1). Also called: 4.1- TRAIT; 4.1-MINUS TRAIT; ELLIPTOCYTOSIS, RHESUS-LINKED TYPE; PROTEIN 4.1 OF ERYTHROCYTE MEMBRANE, DEFECT OF. Identifiers: Orphanet 288, MedGen C2678497, MONDO:0012731, OMIM 611804.

Allele frequency attached by ClinVar (database versions not stated): TOPMed below 0.00001; gnomAD 0.00001; gnomAD exomes 0.00001; ExAC 0.00004.
gnomAD v4.1: 21 of 1,614,110 alleles (0.0013%); highest among the groups gnomAD compares: South Asian, 0.021%; 1 homozygote.

Submission:

Neuberg Centre For Genomic Medicine, NCGM
Classification: Uncertain significance for Elliptocytosis 1. Review status: criteria provided, single submitter. Criteria: ACMG Guidelines, 2015. Collection method: clinical testing. Allele origin: germline. Inheritance: Autosomal dominant inheritance. Affected: yes.
Comment: The missense variant in c.415C>T(p.Leu139Phe) in EPB41 gene has not been reported previously as a pathogenic variant nor as a benign variant, to our knowledge. The p.Leu139Phe variant is novel (not in any individuals) in 1000 Genomes and has allele frequency of 0.004% in gnomAD database. This variant has not been reported to the ClinVar database. The amino acid change p.Leu139Phe in EPB41 is predicted as conserved by GERP++ and PhyloP across 100 vertebrates. The amino acid Leu at position 139 is changed to a Phe changing protein sequence and it might alter its composition and physico-chemical properties. For these reasons, this variant has been classified as Uncertain Significance (VUS).

NM_001376013.1(EPB41):c.415C>T (p.Leu139Phe)

Gene: EPB41 (erythrocyte membrane protein band 4.1; plus strand). Cytogenetic location: 1p35.3.
Variant type: single nucleotide variant.
Coding change: c.415C>T on transcript NM_001376013.1 (MANE Select); coding-DNA position 415, C replaced by T.
Protein change: p.Leu139Phe; replaces leucine 139 with phenylalanine.
Molecular consequence: missense variant. On other transcripts: 5 prime UTR variant (10).
Genome position (GRCh38, 1-based): chr1:28,987,852, C>T. VCF-style: chr1-28987852-C-T. GRCh37 (hg19) VCF-style: chr1-29314364-C-T.
Other names: c.415C>T, p.Leu139Phe (NM_001166005.2, NM_001166006.2, NM_001376014.1 and 8 more transcripts); c.-213C>T (NM_001166007.2, NM_001376022.1, NM_001376023.1 and 5 more transcripts); c.-293C>T (NM_004437.4, NM_203342.3); short protein forms L139F.
Identifiers: ClinVar variation 2585056 (VCV002585056.1), dbSNP rs772686614, ClinGen allele CA724213.
Genomic context (GRCh38, chr1:28,987,852, plus strand): 5'-GGAACCAGTCTTGATGAAGAGATCATTTTAAAGGCCCCAATTGCAGCTCCTGAACCGGAA[C>T]TCAAAACAGACCCATCTTTGGATCTTCATTCATTAAGCAGTGCAGAAACACAGGTAAGGA-3'
Protein context (NP_001362942.1, residues 129-149): KAPIAAPEPE[Leu139Phe]KTDPSLDLHS